The following is an entry in ClinVar:

NM_000384.3(APOB):c.8566A>G (p.Thr2856Ala)

Gene: APOB (apolipoprotein B; minus strand). Cytogenetic location: 2p24.1.
Variant type: single nucleotide variant.
Coding change: c.8566A>G on transcript NM_000384.3 (MANE Select); coding-DNA position 8566, A replaced by G.
Protein change: p.Thr2856Ala; replaces threonine 2856 with alanine.
Molecular consequence: missense variant.
Genome position (GRCh38, 1-based): chr2:21,008,302, T>C on the plus strand (A>G on the coding strand, the complement: APOB is on the minus strand). VCF-style: chr2-21008302-T-C. GRCh37 (hg19) VCF-style: chr2-21231174-T-C.
Other names: short protein forms T2856A.
Identifiers: ClinVar variation 3884998 (VCV003884998.1).
Genomic context (GRCh38, chr2:21,008,302, plus strand): 5'-TGACAATCACTCCATTACTAAGCTCCAGTGTATTTTTTTCTGTGTGTAAACTTGCCACTG[T>C]GTTTGATTTTCCCTCAATAGCATTTCCAAAAAACAGCATTTCACTCCCATGCTCCGTTCT-3'
Protein context (NP_000375.3, residues 2846-2866): FGNAIEGKSN[Thr2856Ala]VASLHTEKNT

ClinVar aggregate classification (germline): Uncertain significance (1 of 4 stars; one submission).

Conditions:
Cardiovascular phenotype. Identifiers: MedGen CN230736.

Submission:

Ambry Genetics
Classification: Uncertain significance for Cardiovascular phenotype. Last evaluated: 2024-12-20. Review status: criteria provided, single submitter. Criteria: Ambry Variant Classification Scheme 2023. Collection method: clinical testing. Allele origin: germline.
Comment: The p.T2856A variant (also known as c.8566A>G), located in coding exon 26 of the APOB gene, results from an A to G substitution at nucleotide position 8566. The threonine at codon 2856 is replaced by alanine, an amino acid with similar properties. This amino acid position is conserved. In addition, this alteration is predicted to be tolerated by in silico analysis. Based on the available evidence, the clinical significance of this variant remains unclear.